The following is an entry in ClinVar:

ClinVar aggregate classification (germline): Uncertain significance (1 of 4 stars; one submission).

gnomAD v4.1: 8 of 1,613,250 alleles (0.0005%); highest among the groups gnomAD compares: Non-Finnish European, 0.00025%; no homozygotes.

Submission:

Mayo Clinic Laboratories, Mayo Clinic
Classification: Uncertain significance. Last evaluated: 2024-05-22. Review status: criteria provided, single submitter. Criteria: ACMG Guidelines, 2015. Collection method: clinical testing. Allele origin: germline. Observed: 1 variant allele.
Comment: PM2

NM_138694.4(PKHD1):c.5768A>G (p.Gln1923Arg)

Gene: PKHD1 (PKHD1 ciliary IPT domain containing fibrocystin/polyductin; minus strand). Cytogenetic location: 6p12.2.
Variant type: single nucleotide variant.
Coding change: c.5768A>G on transcript NM_138694.4 (MANE Select); coding-DNA position 5768, A replaced by G.
Protein change: p.Gln1923Arg; replaces glutamine 1923 with arginine.
Molecular consequence: missense variant.
Genome position (GRCh38, 1-based): chr6:51,960,010, T>C on the plus strand (A>G on the coding strand, the complement: PKHD1 is on the minus strand). VCF-style: chr6-51960010-T-C. GRCh37 (hg19) VCF-style: chr6-51824808-T-C.
Other names: p.Gln1923Arg; c.5768A>G, p.Gln1923Arg (NM_170724.3); short protein forms Q1923R.
Identifiers: ClinVar variation 3379682 (VCV003379682.1).